The following is an entry in ClinVar:

ClinVar aggregate classification (germline): Pathogenic. Review status: criteria provided, multiple submitters, no conflicts (2 of 4 stars). 5 submissions from 5 submitters: Pathogenic (4). 1 of the submissions does not count toward it. Last evaluated 2025-10-09.

Conditions:
Retinitis pigmentosa 25 (RP25). Identifiers: Orphanet 791, MedGen C1864446, MONDO:0011272, OMIM 602772.
Retinitis pigmentosa (RP). Identifiers: Orphanet 791, MedGen C0035334, MeSH D012174, MONDO:0019200, OMIM 268000. Inheritance: Autosomal dominant, autosomal recessive and X linked inheritance.

Submissions (5):

Natera, Inc.
Classification: Pathogenic for Retinitis pigmentosa type 25. Last evaluated: 2025-10-09. Review status: criteria provided, single submitter. Criteria: Natera Variant Classification Schema (03/2026). Collection method: clinical testing. Allele origin: germline.
Comment: The c.403_423delACTGTTAATTCTAAGTGGCTGinsCTTTT variant in EYS is a frameshift variant predicted to shift the reading frame beginning at codon 135 and leads to a stop codon 26 codons downstream. This variant is expected to result in nonsense mediated decay, truncation, or a dysfunctional protein product. This variant is rare in the general population with a frequency below the threshold expected for the associated phenotype(s). This variant has been observed in one or more individuals affected with the associated recessive disease, as either homozygous or compound heterozygous with a second variant (PMID: 20375346). Additionally, this variant has been observed to segregate in affected family members (PMID: 20375346). Given the available evidence, this variant is classified as Pathogenic.

Labcorp Genetics (formerly Invitae), Labcorp
Classification: Pathogenic. Last evaluated: 2025-09-10. Review status: criteria provided, single submitter. Criteria: Invitae Variant Classification Sherloc (09022015). Collection method: clinical testing. Allele origin: germline.
Comment: This sequence change creates a premature translational stop signal (p.Thr135Leufs*26) in the EYS gene. It is expected to result in an absent or disrupted protein product. Loss-of-function variants in EYS are known to be pathogenic (PMID: 18836446, 20333770). Information on the frequency of this variant in the gnomAD database is not available, as this variant may be reported differently in the database. This premature translational stop signal has been observed in individual(s) with retinitis pigmentosa (PMID: 20375346). It has also been observed to segregate with disease in related individuals. This variant is also known as c.403delA,406G>T,410_424del15 (p.Thr135LeufsX25). ClinVar contains an entry for this variant (Variation ID: 812320). For these reasons, this variant has been classified as Pathogenic.

Fulgent Genetics
Classification: Pathogenic for Retinitis pigmentosa 25. Last evaluated: 2024-05-16. Review status: criteria provided, single submitter. Criteria: ACMG Guidelines, 2015. Collection method: clinical testing. Allele origin: germline.

GeneDx
Classification: Pathogenic. Last evaluated: 2021-04-08. Review status: criteria provided, single submitter. Criteria: GeneDx Variant Classification Process June 2021. Collection method: clinical testing. Allele origin: germline. Affected: yes.
Comment: Frameshift variant predicted to result in protein truncation or nonsense mediated decay in a gene for which loss-of-function is a known mechanism of disease; Not observed in large population cohorts (Lek et al., 2016); This variant is associated with the following publications: (PMID: 20375346)

Sharon lab, Hadassah-Hebrew University Medical Center
Classification: Pathogenic for Retinitis pigmentosa. Last evaluated: 2019-06-23. Review status: no assertion criteria provided. Collection method: research. Allele origin: inherited. Affected: yes. Not counted in ClinVar's aggregate classification.

Literature cited by the submitters: PubMed 20375346 (cited by Natera, Inc. and Labcorp Genetics (formerly Invitae), Labcorp); PubMed 18836446 (cited by Labcorp Genetics (formerly Invitae), Labcorp); PubMed 20333770 (cited by Labcorp Genetics (formerly Invitae), Labcorp).

NM_001142800.2(EYS):c.403_423delinsCTTTT (p.Thr135fs)

Gene: EYS (EGF-like photoreceptor maintenance factor; minus strand). Cytogenetic location: 6q12.
Variant type: Indel.
Coding change: c.403_423delinsCTTTT on transcript NM_001142800.2 (MANE Select); coding-DNA positions 403 to 423, ACTGTTAATTCTAAGTGGCTG replaced by CTTTT.
Protein change: p.Thr135fs; shifts the reading frame from threonine 135.
Molecular consequence: frameshift variant.
Genome position (GRCh38, 1-based): chr6:65,494,988-65,495,008, CAGCCACTTAGAATTAACAGT replaced by AAAAG on the plus strand (ACTGTTAATTCTAAGTGGCTG replaced by CTTTT on the coding strand, the reverse complement: EYS is on the minus strand). VCF-style: chr6-65494988-CAGCCACTTAGAATTAACAGT-AAAAG. GRCh37 (hg19) VCF-style: chr6-66204881-CAGCCACTTAGAATTAACAGT-AAAAG.
Other names: c.403_423delACTGTTAATTCTAAGTGGCTGinsCTTTT (NM_001142800.1); c.403_423delinsCTTTT, p.Thr135fs (NM_001142801.2, NM_001292009.2, NM_198283.2); short protein forms T135fs.
Identifiers: ClinVar variation 812320 (VCV000812320.15), dbSNP rs1582376398, ClinGen allele CA915944325.